The following is an entry in ClinVar:

ClinVar aggregate classification (germline): Uncertain significance. Review status: criteria provided, multiple submitters, no conflicts (2 of 4 stars). 4 submissions from 4 submitters: Uncertain significance (4). Last evaluated 2025-03-18.

Conditions:
Hereditary cancer-predisposing syndrome. Also called: Neoplastic Syndromes, Hereditary; Tumor predisposition; Hereditary neoplastic syndrome; Hereditary Cancer Syndrome. Identifiers: Orphanet 140162, MedGen C0027672, MeSH D009386, MONDO:0015356.
Peutz-Jeghers syndrome (PJS). Also called: POLYPOSIS, HAMARTOMATOUS INTESTINAL; POLYPS-AND-SPOTS SYNDROME; Peutz-Jeghers polyposis; Periorificial lentiginosis syndrome. Identifiers: Orphanet 2869, MedGen C0031269, MeSH D010580, MONDO:0008280, OMIM 175200.

gnomAD v4.1: 2 of 1,573,780 alleles (0.00013%); highest among the groups gnomAD compares: Non-Finnish European, 0.00017%; no homozygotes.

Submissions (4):

Ambry Genetics
Classification: Uncertain significance for Hereditary cancer-predisposing syndrome. Last evaluated: 2025-03-18. Review status: criteria provided, single submitter. Criteria: Ambry Variant Classification Scheme 2023. Collection method: clinical testing. Allele origin: germline.
Comment: The p.R415S variant (also known as c.1243C>A), located in coding exon 9 of the STK11 gene, results from a C to A substitution at nucleotide position 1243. The arginine at codon 415 is replaced by serine, an amino acid with dissimilar properties. This amino acid position is conserved. In addition, the in silico prediction for this alteration is inconclusive. Based on the available evidence, the clinical significance of this variant remains unclear.

Center for Genomic Medicine, Rigshospitalet, Copenhagen University Hospital
Classification: Uncertain significance. Last evaluated: 2025-03-04. Review status: criteria provided, single submitter. Criteria: ACMG Guidelines, 2015. Collection method: clinical testing. Allele origin: germline.

Labcorp Genetics (formerly Invitae), Labcorp
Classification: Uncertain significance for Peutz-Jeghers syndrome. Last evaluated: 2024-11-30. Review status: criteria provided, single submitter. Criteria: Invitae Variant Classification Sherloc (09022015). Collection method: clinical testing. Allele origin: germline.
Comment: This sequence change replaces arginine, which is basic and polar, with serine, which is neutral and polar, at codon 415 of the STK11 protein (p.Arg415Ser). The frequency data for this variant in the population databases is considered unreliable, as metrics indicate poor data quality at this position in the gnomAD database. This variant has not been reported in the literature in individuals affected with STK11-related conditions. ClinVar contains an entry for this variant (Variation ID: 1802937). Invitae Evidence Modeling of protein sequence and biophysical properties (such as structural, functional, and spatial information, amino acid conservation, physicochemical variation, residue mobility, and thermodynamic stability) indicates that this missense variant is not expected to disrupt STK11 protein function with a negative predictive value of 95%. In summary, the available evidence is currently insufficient to determine the role of this variant in disease. Therefore, it has been classified as a Variant of Uncertain Significance.

Color Diagnostics, LLC DBA Color Health
Classification: Uncertain significance for Hereditary cancer-predisposing syndrome. Last evaluated: 2024-03-07. Review status: criteria provided, single submitter. Criteria: ACMG Guidelines, 2015. Collection method: clinical testing. Allele origin: germline.
Comment: This missense variant replaces arginine with serine at codon 415 of the STK11 protein. Computational prediction suggests that this variant may not impact protein structure and function (internally defined REVEL score threshold <= 0.5, PMID: 27666373). To our knowledge, functional studies have not been reported for this variant. This variant has not been reported in individuals affected with hereditary cancer in the literature. This variant has been identified in 2/175008 chromosomes in the general population by the Genome Aggregation Database (gnomAD). The available evidence is insufficient to determine the role of this variant in disease conclusively. Therefore, this variant is classified as a Variant of Uncertain Significance.

NM_000455.5(STK11):c.1243C>A (p.Arg415Ser)

Gene: STK11 (serine/threonine kinase 11; plus strand). Cytogenetic location: 19p13.3.
Variant type: single nucleotide variant.
Coding change: c.1243C>A on transcript NM_000455.5 (MANE Select); coding-DNA position 1243, C replaced by A.
Protein change: p.Arg415Ser; replaces arginine 415 with serine.
Molecular consequence: missense variant.
Genome position (GRCh38, 1-based): chr19:1,226,588, C>A. VCF-style: chr19-1226588-C-A. GRCh37 (hg19) VCF-style: chr19-1226587-C-A.
Other names: short protein forms R415S.
Identifiers: ClinVar variation 1802937 (VCV001802937.13), dbSNP rs864622448, ClinGen allele CA402953957.
Genomic context (GRCh38, chr19:1,226,588, plus strand): 5'-ACAGAGGCGGCGCAGCTGAGCACCAAATCCAGGGCGGAGGGCCGGGCCCCCAACCCTGCC[C>A]GCAAGGCCTGCTCCGCCAGCAGCAAGATCCGCCGGCTGTCGGCCTGCAAGCAGCAGTGAG-3'
Protein context (NP_000446.1, residues 405-425): RAEGRAPNPA[Arg415Ser]KACSASSKIR